The following is an entry in ClinVar:

NM_021942.6(TRAPPC11):c.2165C>G (p.Ser722Cys)

Gene: TRAPPC11 (trafficking protein particle complex subunit 11; plus strand). Cytogenetic location: 4q35.1.
Variant type: single nucleotide variant.
Coding change: c.2165C>G on transcript NM_021942.6 (MANE Select); coding-DNA position 2165, C replaced by G.
Protein change: p.Ser722Cys; replaces serine 722 with cysteine.
Molecular consequence: missense variant.
Genome position (GRCh38, 1-based): chr4:183,693,075, C>G. VCF-style: chr4-183693075-C-G. GRCh37 (hg19) VCF-style: chr4-184614228-C-G.
Other names: c.2165C>G, p.Ser722Cys (NM_199053.3); short protein forms S722C.
Identifiers: ClinVar variation 2148320 (VCV002148320.1), dbSNP rs1736337509, ClinGen allele CA358870959.

ClinVar aggregate classification (germline): Uncertain significance (1 of 4 stars; one submission).

Conditions:
Autosomal recessive limb-girdle muscular dystrophy type R18 (LGMDR18). Also called: Autosomal recessive limb-girdle muscular dystrophy type 2S; MUSCULAR DYSTROPHY, LIMB-GIRDLE, AUTOSOMAL RECESSIVE 18; Limb-girdle muscular dystrophy, type 2S. Identifiers: Orphanet 369840, MedGen C4517996, MONDO:0014144, OMIM 615356.

Allele frequency attached by ClinVar (database versions not stated): TOPMed below 0.00001.

Submission:

Labcorp Genetics (formerly Invitae), Labcorp
Classification: Uncertain significance for Autosomal recessive limb-girdle muscular dystrophy type R18. Last evaluated: 2022-06-16. Review status: criteria provided, single submitter. Criteria: Invitae Variant Classification Sherloc (09022015). Collection method: clinical testing. Allele origin: germline.
Comment: This sequence change replaces serine, which is neutral and polar, with cysteine, which is neutral and slightly polar, at codon 722 of the TRAPPC11 protein (p.Ser722Cys). This variant is not present in population databases (gnomAD no frequency). This variant has not been reported in the literature in individuals affected with TRAPPC11-related conditions. Algorithms developed to predict the effect of missense changes on protein structure and function are either unavailable or do not agree on the potential impact of this missense change (SIFT: "Deleterious"; PolyPhen-2: "Possibly Damaging"; Align-GVGD: "Class C15"). In summary, the available evidence is currently insufficient to determine the role of this variant in disease. Therefore, it has been classified as a Variant of Uncertain Significance.